The following is an entry in ClinVar:

ClinVar aggregate classification (germline): Uncertain significance (1 of 4 stars; one submission).

Allele frequency attached by ClinVar (database versions not stated): gnomAD exomes below 0.00001 and 0.00001; ExAC 0.00002; TOPMed 0.00004; gnomAD 0.00005 and 0.00006.
gnomAD v4.1: 10 of 1,613,516 alleles (0.00062%); highest among the groups gnomAD compares: African/African-American, 0.013%; no homozygotes.

Submission:

Labcorp Genetics (formerly Invitae), Labcorp
Classification: Uncertain significance. Last evaluated: 2022-08-08. Review status: criteria provided, single submitter. Criteria: Invitae Variant Classification Sherloc (09022015). Collection method: clinical testing. Allele origin: germline.
Comment: In summary, the available evidence is currently insufficient to determine the role of this variant in disease. Therefore, it has been classified as a Variant of Uncertain Significance. Variants that disrupt the consensus splice site are a relatively common cause of aberrant splicing (PMID: 17576681, 9536098). Algorithms developed to predict the effect of sequence changes on RNA splicing suggest that this variant is not likely to affect RNA splicing. ClinVar contains an entry for this variant (Variation ID: 1477568). This variant has not been reported in the literature in individuals affected with ACBD5-related conditions. This variant is present in population databases (rs773007514, gnomAD 0.01%). This sequence change falls in intron 4 of the ACBD5 gene. It does not directly change the encoded amino acid sequence of the ACBD5 protein. It affects a nucleotide within the consensus splice site.

Literature cited by the submitters: PubMed 17576681; PubMed 9536098.

NM_145698.5(ACBD5):c.375+3A>G

Gene: ACBD5 (acyl-CoA binding domain containing 5; minus strand). Cytogenetic location: 10p12.1.
Variant type: single nucleotide variant.
Coding change: c.375+3A>G on transcript NM_145698.5 (MANE Select); 3 bases into the intron after coding-DNA position 375, A replaced by G.
Molecular consequence: intron variant.
Genome position (GRCh38, 1-based): chr10:27,231,745, T>C on the plus strand (A>G on the coding strand, the complement: ACBD5 is on the minus strand). VCF-style: chr10-27231745-T-C. GRCh37 (hg19) VCF-style: chr10-27520674-T-C.
Other names: c.375+3A>G (NM_001352588.1, NM_001352573.1, NM_001352581.1 and 2 more transcripts); c.369+3A>G (NM_001352587.1, NM_001271512.3, NM_001352586.1 and 1 more transcripts); c.48+3A>G (NM_001301254.2, NM_001301252.2, NM_001301253.2 and 4 more transcripts); c.270+3A>G (NM_001352580.2, NM_001352577.2, NM_001352575.2 and 6 more transcripts); c.396+3A>G (NM_001352572.1, NM_001352568.1).
Identifiers: ClinVar variation 1477568 (VCV001477568.5), dbSNP rs773007514, ClinGen allele CA5450980.